The following is an entry in ClinVar:

ClinVar aggregate classification (germline): Uncertain significance. Review status: criteria provided, multiple submitters, no conflicts (2 of 4 stars). 2 submissions from 2 submitters: Uncertain significance (2). Last evaluated 2022-09-22.

Conditions:
Imerslund-Grasbeck syndrome. Also called: PERNICIOUS ANEMIA, JUVENILE, DUE TO SELECTIVE INTESTINAL MALABSORPTION OF VITAMIN B12, WITH PROTEINURIA; ENTEROCYTE COBALAMIN MALABSORPTION; ENTEROCYTE INTRINSIC FACTOR RECEPTOR, DEFECT OF; Imerslund-Gräsbeck syndrome; Megaloblastic anemia due to inborn errors of metabolism. Identifiers: Orphanet 35858, MedGen C4551825, MONDO:0009853.

Allele frequency attached by ClinVar (database versions not stated): ExAC 0.00001; TOPMed 0.00001; gnomAD 0.00002.
gnomAD v4.1: 28 of 1,613,238 alleles (0.0017%); highest among the groups gnomAD compares: African/African-American, 0.0027%; no homozygotes.

Submissions (2):

Blueprint Genetics
Classification: Uncertain significance. Last evaluated: 2022-09-22. Review status: criteria provided, single submitter. Criteria: ACMG Guidelines, 2015. Collection method: clinical testing. Allele origin: germline.

Labcorp Genetics (formerly Invitae), Labcorp
Classification: Uncertain significance for Imerslund-Grasbeck syndrome. Last evaluated: 2022-06-17. Review status: criteria provided, single submitter. Criteria: Invitae Variant Classification Sherloc (09022015). Collection method: clinical testing. Allele origin: germline.
Comment: This sequence change replaces threonine, which is neutral and polar, with arginine, which is basic and polar, at codon 580 of the CUBN protein (p.Thr580Arg). This variant is present in population databases (rs766551752, gnomAD 0.007%). This variant has not been reported in the literature in individuals affected with CUBN-related conditions. Algorithms developed to predict the effect of missense changes on protein structure and function output the following: SIFT: "Tolerated"; PolyPhen-2: "Benign"; Align-GVGD: "Class C0". The arginine amino acid residue is found in multiple mammalian species, which suggests that this missense change does not adversely affect protein function. In summary, the available evidence is currently insufficient to determine the role of this variant in disease. Therefore, it has been classified as a Variant of Uncertain Significance.

NM_001081.4(CUBN):c.1739C>G (p.Thr580Arg)

Gene: CUBN (cubilin; minus strand). Cytogenetic location: 10p13.
Variant type: single nucleotide variant.
Coding change: c.1739C>G on transcript NM_001081.4 (MANE Select); coding-DNA position 1739, C replaced by G.
Protein change: p.Thr580Arg; replaces threonine 580 with arginine.
Molecular consequence: missense variant.
Genome position (GRCh38, 1-based): chr10:17,100,031, G>C on the plus strand (C>G on the coding strand, the complement: CUBN is on the minus strand). VCF-style: chr10-17100031-G-C. GRCh37 (hg19) VCF-style: chr10-17142030-G-C.
Other names: short protein forms T580R.
Identifiers: ClinVar variation 1981771 (VCV001981771.5), dbSNP rs766551752, ClinGen allele CA5425211.